The following is an entry in ClinVar:

ClinVar aggregate classification (germline): Uncertain significance (1 of 4 stars; one submission).

Submission:

GeneDx
Classification: Uncertain significance. Last evaluated: 2025-07-31. Review status: criteria provided, single submitter. Criteria: GeneDx Variant Classification Process June 2021. Collection method: clinical testing. Allele origin: germline. Affected: yes.
Comment: Not observed at significant frequency in large population cohorts (gnomAD); In silico analysis suggests that this missense variant does not alter protein structure/function; Has not been previously published as pathogenic or benign to our knowledge

NM_001127464.1:c.11453G>A

Gene: ZNF469 (zinc finger protein 469; plus strand).
Variant type: single nucleotide variant.
Identifiers: ClinVar variation 4690133 (VCV004690133.1).